The following is an entry in ClinVar:

NM_017802.4(DNAAF5):c.1381C>T (p.Arg461Trp)

Gene: DNAAF5 (dynein axonemal assembly factor 5; plus strand). Cytogenetic location: 7p22.3.
Variant type: single nucleotide variant.
Coding change: c.1381C>T on transcript NM_017802.4 (MANE Select); coding-DNA position 1381, C replaced by T.
Protein change: p.Arg461Trp; replaces arginine 461 with tryptophan.
Molecular consequence: missense variant. On other transcripts: non-coding transcript variant (1).
Genome position (GRCh38, 1-based): chr7:756,905, C>T. VCF-style: chr7-756905-C-T. GRCh37 (hg19) VCF-style: chr7-796542-C-T.
Other names: short protein forms R461W.
Identifiers: ClinVar variation 1397815 (VCV001397815.4), dbSNP rs373336873, ClinGen allele CA4110707.

ClinVar aggregate classification (germline): Uncertain significance (1 of 4 stars; one submission).

Conditions:
Primary ciliary dyskinesia. Also called: Ciliary dyskinesia. Identifiers: Orphanet 244, MedGen C0008780, MONDO:0016575, HP:0012265.

Allele frequency attached by ClinVar (database versions not stated): gnomAD 0.00001; TOPMed 0.00001; gnomAD exomes 0.00002 and 0.00003; ExAC 0.00003.
gnomAD v4.1: 25 of 1,611,950 alleles (0.0016%); highest among the groups gnomAD compares: East Asian, 0.022%; no homozygotes.

Submission:

Labcorp Genetics (formerly Invitae), Labcorp
Classification: Uncertain significance for Primary ciliary dyskinesia. Last evaluated: 2021-09-01. Review status: criteria provided, single submitter. Criteria: Invitae Variant Classification Sherloc (09022015). Collection method: clinical testing. Allele origin: germline.
Comment: In summary, the available evidence is currently insufficient to determine the role of this variant in disease. Therefore, it has been classified as a Variant of Uncertain Significance. Algorithms developed to predict the effect of missense changes on protein structure and function are either unavailable or do not agree on the potential impact of this missense change (SIFT: "Deleterious"; PolyPhen-2: "Probably Damaging"; Align-GVGD: "Class C0"). This variant has not been reported in the literature in individuals affected with DNAAF5-related conditions. This variant is present in population databases (rs373336873, ExAC 0.05%). This sequence change replaces arginine with tryptophan at codon 461 of the DNAAF5 protein (p.Arg461Trp). The arginine residue is moderately conserved and there is a moderate physicochemical difference between arginine and tryptophan.